The following is an entry in ClinVar:

NM_001042492.3(NF1):c.1186-4A>G

Gene: NF1 (neurofibromin 1; plus strand). Cytogenetic location: 17q11.2.
Variant type: single nucleotide variant.
Coding change: c.1186-4A>G on transcript NM_001042492.3 (MANE Select); 4 bases into the intron before coding-DNA position 1186, A replaced by G.
Molecular consequence: intron variant.
Genome position (GRCh38, 1-based): chr17:31,201,407, A>G. VCF-style: chr17-31201407-A-G. GRCh37 (hg19) VCF-style: chr17-29528425-A-G.
Other names: c.1186-4A>G (NM_000267.4, NM_001128147.3).
Identifiers: ClinVar variation 412977 (VCV000412977.19), dbSNP rs769295150, ClinGen allele CA8485716.
Genomic context (GRCh38, chr17:31,201,407, plus strand): 5'-TCATTTGTATTACTGAGTATTTTTCTCATAGAAATAATCTGCTTTTTTTTTTCTTTTTCT[A>G]TAGATCTGCCTGGCTCAGAATTCACCTTCTACATTTCACTATGTGCTGGTAAATTCACTC-3'

ClinVar aggregate classification (germline): Likely benign. Review status: criteria provided, multiple submitters, no conflicts (2 of 4 stars). 8 submissions from 7 submitters: Likely benign (8). Last evaluated 2026-05-11.

Conditions:
Hereditary cancer-predisposing syndrome. Also called: Hereditary Cancer Syndrome; Neoplastic Syndromes, Hereditary; Hereditary neoplastic syndrome; Tumor predisposition. Identifiers: Orphanet 140162, MedGen C0027672, MeSH D009386, MONDO:0015356.
Cardiovascular phenotype. Identifiers: MedGen CN230736.
Neurofibromatosis, type 1 (NF1). Also called: VON RECKLINGHAUSEN DISEASE; NEUROFIBROMATOSIS, TYPE I, SOMATIC; Neurofibromatosis, type I; Peripheral type neurofibromatosis. Identifiers: Orphanet 636, MedGen C0027831, MONDO:0018975, OMIM 162200. Disease mechanism: loss of function.

Allele frequency attached by ClinVar (database versions not stated): TOPMed 0.00002; ExAC 0.00003; gnomAD 0.00001; gnomAD exomes 0.00002.
gnomAD v4.1: 30 of 1,601,844 alleles (0.0019%); highest among the groups gnomAD compares: East Asian, 0.0045%; no homozygotes.

Submissions (8):

Myriad Genetics, Inc.
Classification: Likely benign for Neurofibromatosis, type 1. Last evaluated: 2026-05-11. Review status: criteria provided, single submitter. Criteria: Myriad Autosomal Dominant, Autosomal Recessive and X-Linked Classification Criteria (2023). Collection method: clinical testing. Allele origin: unknown.
Comment: This variant is considered likely benign. This variant is intronic and is not expected to impact mRNA splicing.

Labcorp Genetics (formerly Invitae), Labcorp
Classification: Likely benign for Neurofibromatosis, type 1. Last evaluated: 2026-02-01. Review status: criteria provided, single submitter. Criteria: Invitae Variant Classification Sherloc (09022015). Collection method: clinical testing. Allele origin: germline.

Genome-Nilou Lab
Classification: Likely benign for Neurofibromatosis, type 1. Last evaluated: 2022-03-15. Review status: criteria provided, single submitter. Criteria: ACMG Guidelines, 2015. Collection method: clinical testing. Allele origin: germline. Affected: no.

Sema4
Classification: Likely benign for Hereditary cancer-predisposing syndrome. Last evaluated: 2022-02-18. Review status: criteria provided, single submitter. Criteria: Sema4 Curation Guidelines. Collection method: curation. Allele origin: germline.

Ambry Genetics
Classification: Likely benign for Cardiovascular phenotype; Hereditary cancer-predisposing syndrome. Last evaluated: 2019-12-19. Review status: criteria provided, single submitter. Criteria: Ambry Variant Classification Scheme 2023. Collection method: clinical testing. Allele origin: germline.

Genetic Services Laboratory, University of Chicago
Classification: Likely benign. Last evaluated: 2019-10-16. Review status: criteria provided, single submitter. Criteria: ACMG Guidelines, 2015. Collection method: clinical testing. Allele origin: germline. Affected: no.

GeneDx
Classification: Likely benign. Last evaluated: 2018-02-05. Review status: criteria provided, single submitter. Criteria: GeneDx Variant Classification (06012015). Collection method: clinical testing. Allele origin: germline. Affected: yes.
Comment: This variant is considered likely benign or benign based on one or more of the following criteria: it is a conservative change, it occurs at a poorly conserved position in the protein, it is predicted to be benign by multiple in silico algorithms, and/or has population frequency not consistent with disease.

Ambry Genetics
Classification: Likely benign for Hereditary cancer-predisposing syndrome. Last evaluated: 2015-10-22. Review status: criteria provided, single submitter. Criteria: Ambry Autosomal Dominant and X-Linked criteria (10/2015). Collection method: clinical testing. Allele origin: germline. Observed: 1 variant allele.
Comment: In silico models in agreement (benign);Insufficient or conflicting evidence